The following is an entry in ClinVar:

ClinVar aggregate classification (germline): Likely pathogenic (1 of 4 stars; one submission).

gnomAD v4.1: 1 of 1,613,452 alleles (0.000062%); highest among the groups gnomAD compares: Non-Finnish European, 0.000085%; no homozygotes.

Submission:

GeneDx
Classification: Likely pathogenic. Last evaluated: 2020-01-30. Review status: criteria provided, single submitter. Criteria: GeneDx Variant Classification Process June 2021. Collection method: clinical testing. Allele origin: germline. Affected: yes.
Comment: Not observed in large population cohorts (Lek et al., 2016); The majority of missense variants in this gene are considered pathogenic [(Stenson et al., 2014; other references)]; In silico analysis, which includes protein predictors and evolutionary conservation, supports a deleterious effect; Has not been previously published as pathogenic or benign to our knowledge

NM_000080.4(CHRNE):c.914G>A (p.Gly305Asp)

Genes: C17orf107 (chromosome 17 open reading frame 107; plus strand), CHRNE (cholinergic receptor nicotinic epsilon subunit; minus strand). Cytogenetic location: 17p13.2.
Variant type: single nucleotide variant.
Coding change: c.914G>A on transcript NM_000080.4 (MANE Select); coding-DNA position 914, G replaced by A.
Protein change: p.Gly305Asp; replaces glycine 305 with aspartic acid.
Molecular consequence: missense variant. On other transcripts: 3 prime UTR variant (1).
Genome position (GRCh38, 1-based): chr17:4,900,796, C>T on the plus strand (G>A on the coding strand, the complement: CHRNE is on the minus strand). VCF-style: chr17-4900796-C-T. GRCh37 (hg19) VCF-style: chr17-4804091-C-T.
Other names: c.*263C>T (NM_001145536.2); short protein forms G305D.
Identifiers: ClinVar variation 392952 (VCV000392952.3), dbSNP rs919271118, ClinGen allele CA16607349.
Genomic context (GRCh38, chr17:4,900,796, plus strand): 5'-TTGGCCACGCCCCCACCCTTCACACTGGCCACACCCCCGCGGGGGCTCCGGCTTCACCTG[C>T]CCAGGAGCGGCACGCTCAGAGAAGTCTCTGGGATTTTCTGGGCAATGAGGAACAAGAAGA-3'
Protein context (NP_000071.1, residues 295-315): PETSLSVPLL[Gly305Asp]RFLIFVMVVA